The following is an entry in ClinVar:

ClinVar aggregate classification (germline): Benign/Likely benign. Review status: criteria provided, multiple submitters, no conflicts (2 of 4 stars). 3 submissions from 3 submitters: Benign (1); Likely benign (1). 1 of the submissions does not count toward it. Last evaluated 2025-10-27.

Conditions:
Rubinstein-Taybi syndrome due to EP300 haploinsufficiency. Also called: EP300-Related Rubinstein-Taybi Syndrome; RUBINSTEIN-TAYBI SYNDROME 2. Identifiers: Orphanet 353284, Orphanet 783, MedGen C3150941, MONDO:0013364, OMIM 613684.
EP300-related disorder. Also called: EP300-related disorders; EP300-related condition.

Allele frequency attached by ClinVar (database versions not stated): ESP Exome Variant Server 0.00048; TOPMed 0.00072; 1000 Genomes Project 30x 0.00078; gnomAD 0.00078 and 0.00083; 1000 Genomes Project 0.00100; gnomAD exomes 0.00011 and 0.00022; ExAC 0.00030.

Submissions (3):

Labcorp Genetics (formerly Invitae), Labcorp
Classification: Benign for Rubinstein-Taybi syndrome due to EP300 haploinsufficiency. Last evaluated: 2025-10-27. Review status: criteria provided, single submitter. Criteria: Invitae Variant Classification Sherloc (09022015). Collection method: clinical testing. Allele origin: germline.

Blueprint Genetics
Classification: Likely benign. Last evaluated: 2023-10-19. Review status: criteria provided, single submitter. Criteria: ACMG Guidelines, 2015. Collection method: clinical testing. Allele origin: germline.

PreventionGenetics, part of Exact Sciences
Classification: Likely benign for EP300-related condition. Last evaluated: 2022-01-10. Review status: no assertion criteria provided. Collection method: clinical testing. Allele origin: germline. Not counted in ClinVar's aggregate classification.
Comment: This variant is classified as likely benign based on ACMG/AMP sequence variant interpretation guidelines (Richards et al. 2015 PMID: 25741868, with internal and published modifications).

NM_001429.4(EP300):c.2998-14dup

Genes: EP300 (EP300 lysine acetyltransferase; plus strand), LOC126863158 (BRD4-independent group 4 enhancer GRCh37_chr22:41547383-41548582; plus strand). Cytogenetic location: 22q13.2.
Variant type: Duplication.
Coding change: c.2998-14dup on transcript NM_001429.4 (MANE Select); 14 bases into the intron before coding-DNA position 2998, one base duplicated (A; older notation c.2998-14dupA).
Molecular consequence: intron variant.
Genome position (GRCh38, 1-based): chr22:41,152,192, A duplicated. VCF-style (leftmost placement, unchanged base first): chr22-41152191-T-TA. GRCh37 (hg19) VCF-style: chr22-41548195-T-TA.
Other names: c.2920-14dup (NM_001362843.2); c.2998-14dupA (NM_001429.3).
Identifiers: ClinVar variation 1601242 (VCV001601242.12), dbSNP rs560058125, ClinGen allele CA10253021.